The following is an entry in ClinVar:

ClinVar aggregate classification (germline): Uncertain significance (1 of 4 stars; one submission).

Allele frequency attached by ClinVar (database versions not stated): ESP Exome Variant Server 0.00008; ExAC 0.00002; gnomAD exomes 0.00004; TOPMed 0.00006.
gnomAD v4.1: 129 of 1,613,892 alleles (0.008%); highest among the groups gnomAD compares: Non-Finnish European, 0.011%; no homozygotes.

Submission:

Labcorp Genetics (formerly Invitae), Labcorp
Classification: Uncertain significance. Last evaluated: 2023-05-29. Review status: criteria provided, single submitter. Criteria: Invitae Variant Classification Sherloc (09022015). Collection method: clinical testing. Allele origin: germline.
Comment: In summary, the available evidence is currently insufficient to determine the role of this variant in disease. Therefore, it has been classified as a Variant of Uncertain Significance. Variants that disrupt the consensus splice site are a relatively common cause of aberrant splicing (PMID: 17576681, 9536098). Algorithms developed to predict the effect of sequence changes on RNA splicing suggest that this variant is not likely to affect RNA splicing. ClinVar contains an entry for this variant (Variation ID: 1450294). This variant has not been reported in the literature in individuals affected with ADAMTS17-related conditions. This variant is present in population databases (rs370454884, gnomAD 0.007%). This sequence change falls in intron 6 of the ADAMTS17 gene. It does not directly change the encoded amino acid sequence of the ADAMTS17 protein. It affects a nucleotide within the consensus splice site.

Literature cited by the submitters: PubMed 17576681; PubMed 9536098.

NM_139057.4(ADAMTS17):c.1031+5G>C

Gene: ADAMTS17 (ADAM metallopeptidase with thrombospondin type 1 motif 17; minus strand). Cytogenetic location: 15q26.3.
Variant type: single nucleotide variant.
Coding change: c.1031+5G>C on transcript NM_139057.4 (MANE Select); 5 bases into the intron after coding-DNA position 1031, G replaced by C.
Molecular consequence: intron variant.
Genome position (GRCh38, 1-based): chr15:100,261,474, C>G on the plus strand (G>C on the coding strand, the complement: ADAMTS17 is on the minus strand). VCF-style: chr15-100261474-C-G. GRCh37 (hg19) VCF-style: chr15-100801679-C-G.
Identifiers: ClinVar variation 1450294 (VCV001450294.4), dbSNP rs370454884, ClinGen allele CA7758442.